The following is an entry in ClinVar:

ClinVar aggregate classification (germline): Uncertain significance. Review status: criteria provided, multiple submitters, no conflicts (2 of 4 stars). 3 submissions from 3 submitters: Uncertain significance (3). Last evaluated 2025-02-22.

Conditions:
Charcot-Marie-Tooth disease type 4. Also called: Charcot-Marie-Tooth disease, type IV; Charcot-Marie-Tooth, Type 4. Identifiers: Orphanet 64749, MedGen C4082197, MONDO:0018995.
Charcot-Marie-Tooth disease type 4F. Also called: Charcot-Marie-Tooth disease, demyelinating, type 4F. Identifiers: Orphanet 99952, MedGen C3540453, MONDO:0013959, OMIM 614895.
Inborn genetic diseases. Identifiers: MedGen C0950123, MeSH D030342.

Allele frequency attached by ClinVar (database versions not stated): gnomAD exomes below 0.00001; TOPMed below 0.00001; gnomAD 0.00001.

Submissions (3):

Ambry Genetics
Classification: Uncertain significance for Inborn genetic diseases. Last evaluated: 2025-02-22. Review status: criteria provided, single submitter. Criteria: Ambry Variant Classification Scheme 2023. Collection method: clinical testing. Allele origin: germline.

Labcorp Genetics (formerly Invitae), Labcorp
Classification: Uncertain significance for Charcot-Marie-Tooth disease type 4. Last evaluated: 2021-09-01. Review status: criteria provided, single submitter. Criteria: Invitae Variant Classification Sherloc (09022015). Collection method: clinical testing. Allele origin: germline.
Comment: This sequence change replaces methionine with valine at codon 593 of the PRX protein (p.Met593Val). The methionine residue is moderately conserved and there is a small physicochemical difference between methionine and valine. This variant is not present in population databases (ExAC no frequency). This variant has not been reported in the literature in individuals affected with PRX-related conditions. Algorithms developed to predict the effect of missense changes on protein structure and function output the following: SIFT: "Tolerated"; PolyPhen-2: "Benign"; Align-GVGD: "Class C0". The valine amino acid residue is found in multiple mammalian species, which suggests that this missense change does not adversely affect protein function. Algorithms developed to predict the effect of sequence changes on RNA splicing suggest that this variant may create or strengthen a splice site. In summary, the available evidence is currently insufficient to determine the role of this variant in disease. Therefore, it has been classified as a Variant of Uncertain Significance.

Illumina Laboratory Services, Illumina
Classification: Uncertain significance for Charcot-Marie-Tooth disease type 4F. Last evaluated: 2018-01-12. Review status: criteria provided, single submitter. Criteria: ICSL Variant Classification Criteria 13 December 2019. Collection method: clinical testing. Allele origin: germline.

NM_181882.3(PRX):c.1777A>G (p.Met593Val)

Gene: PRX (periaxin; minus strand). Cytogenetic location: 19q13.2.
Variant type: single nucleotide variant.
Coding change: c.1777A>G on transcript NM_181882.3 (MANE Select); coding-DNA position 1777, A replaced by G.
Protein change: p.Met593Val; replaces methionine 593 with valine.
Molecular consequence: missense variant. On other transcripts: 3 prime UTR variant (1).
Genome position (GRCh38, 1-based): chr19:40,396,575, T>C on the plus strand (A>G on the coding strand, the complement: PRX is on the minus strand). VCF-style: chr19-40396575-T-C. GRCh37 (hg19) VCF-style: chr19-40902482-T-C.
Other names: c.*1982A>G (NM_020956.2); short protein forms M593V.
Identifiers: ClinVar variation 893794 (VCV000893794.11), dbSNP rs1389523539, ClinGen allele CA405897691.